The following is an entry in ClinVar:

ClinVar aggregate classification (germline): Uncertain significance (1 of 4 stars; one submission).

Submission:

GeneDx
Classification: Uncertain significance. Last evaluated: 2019-10-16. Review status: criteria provided, single submitter. Criteria: GeneDx Variant Classification Process June 2021. Collection method: clinical testing. Allele origin: germline. Affected: yes.
Comment: Not observed in large population cohorts (Lek et al., 2016); In silico analysis, which includes protein predictors and evolutionary conservation, supports that this variant does not alter protein structure/function; Has not been previously published as pathogenic or benign to our knowledge

NM_004208.4(AIFM1):c.1240A>G (p.Ile414Val)

Genes: AIFM1 (apoptosis inducing factor mitochondria associated 1; minus strand), RAB33A (RAB33A, member RAS oncogene family; plus strand). Cytogenetic location: Xq26.1.
Variant type: single nucleotide variant.
Coding change: c.1240A>G on transcript NM_004208.4 (MANE Select); coding-DNA position 1240, A replaced by G.
Protein change: p.Ile414Val; replaces isoleucine 414 with valine.
Molecular consequence: missense variant. On other transcripts: 3 prime UTR variant (1), non-coding transcript variant (1).
Genome position (GRCh38, 1-based): chrX:130,136,110, T>C on the plus strand (A>G on the coding strand, the complement: AIFM1 is on the minus strand). VCF-style: chrX-130136110-T-C. GRCh37 (hg19) VCF-style: chrX-129270085-T-C.
Other names: c.223A>G, p.Ile75Val (NM_001130846.4); c.*468A>G (NM_001130847.4); c.1228A>G, p.Ile410Val (NM_145812.3); short protein forms I410V, I414V, I75V.
Identifiers: ClinVar variation 1309249 (VCV001309249.2), dbSNP rs2124651762, ClinGen allele CA414574912.